The following is an entry in ClinVar:

ClinVar aggregate classification (germline): Pathogenic (1 of 4 stars; one submission).

Conditions:
Pallister-Hall syndrome (PHS). Also called: HYPOTHALAMIC HAMARTOBLASTOMA, HYPOPITUITARISM, IMPERFORATE ANUS, AND POSTAXIAL POLYDACTYLY; GLI3-Related Pallister-Hall Syndrome. Identifiers: Orphanet 672, MedGen C0265220, MONDO:0007804, OMIM 146510.
Greig cephalopolysyndactyly syndrome (GCPS). Also called: GLI3-Related Greig Cephalopolysyndactyly Syndrome; POLYSYNDACTYLY WITH PECULIAR SKULL SHAPE; Greig syndrome. Identifiers: Orphanet 380, MedGen C0265306, MONDO:0008287, OMIM 175700.

Submission:

Labcorp Genetics (formerly Invitae), Labcorp
Classification: Pathogenic for Pallister-Hall syndrome; Greig cephalopolysyndactyly syndrome. Last evaluated: 2022-07-05. Review status: criteria provided, single submitter. Criteria: Invitae Variant Classification Sherloc (09022015). Collection method: clinical testing. Allele origin: germline.
Comment: For these reasons, this variant has been classified as Pathogenic. A similar copy number variant has been observed in individual(s) with GLI3-related conditions (PMID: 20672375, 29236091). A gross deletion of the genomic region encompassing the full coding sequence of the GLI3 gene has been identified. Loss-of-function variants in GLI3 are known to be pathogenic (PMID: 10441570, 15739154, 18000979, 24736735). The boundaries of this event are unknown as they extend beyond the assayed region for this gene and therefore may encompass additional genes.

Literature cited by the submitters: PubMed 20672375; PubMed 29236091; PubMed 10441570; PubMed 15739154; PubMed 18000979; PubMed 24736735.

NC_000007.13:g.(?_39726267)_(42262852_?)del

Genes: SUGCT (succinyl-CoA:glutarate-CoA transferase; plus strand), CDK13 (cyclin dependent kinase 13; plus strand), GLI3 (GLI family zinc finger 3; minus strand), INHBA (inhibin subunit beta A; minus strand), MPLKIP (M-phase specific PLK1 interacting protein; minus strand) and 1 more. Cytogenetic location: 7p14.1.
Variant type: Deletion.
Identifiers: ClinVar variation 1459507 (VCV001459507.4).